The following is an entry in ClinVar:

NM_017617.5(NOTCH1):c.5010C>G (p.Asp1670Glu)

Gene: NOTCH1 (notch receptor 1; minus strand). Cytogenetic location: 9q34.3.
Variant type: single nucleotide variant.
Coding change: c.5010C>G on transcript NM_017617.5 (MANE Select); coding-DNA position 5010, C replaced by G.
Protein change: p.Asp1670Glu; replaces aspartic acid 1670 with glutamic acid.
Molecular consequence: missense variant.
Genome position (GRCh38, 1-based): chr9:136,504,681, G>C on the plus strand (C>G on the coding strand, the complement: NOTCH1 is on the minus strand). VCF-style: chr9-136504681-G-C. GRCh37 (hg19) VCF-style: chr9-139399133-G-C.
Other names: short protein forms D1670E.
Identifiers: ClinVar variation 4740915 (VCV004740915.1).

ClinVar aggregate classification (germline): Uncertain significance (1 of 4 stars; one submission).

Conditions:
Adams-Oliver syndrome 5 (AOS5). Identifiers: Orphanet 974, MedGen C4014970, MONDO:0014459, OMIM 616028.

gnomAD v4.1: 2 of 1,517,240 alleles (0.00013%); highest among the groups gnomAD compares: East Asian, 0.0025%; no homozygotes.

Submission:

Labcorp Genetics (formerly Invitae), Labcorp
Classification: Uncertain significance for Adams-Oliver syndrome 5. Last evaluated: 2025-12-27. Review status: criteria provided, single submitter. Criteria: Invitae Variant Classification Sherloc (09022015). Collection method: clinical testing. Allele origin: germline.
Comment: This sequence change replaces aspartic acid, which is acidic and polar, with glutamic acid, which is acidic and polar, at codon 1670 of the NOTCH1 protein (p.Asp1670Glu). This variant is not present in population databases (gnomAD no frequency). This variant has not been reported in the literature in individuals affected with NOTCH1-related conditions. Invitae Evidence Modeling of protein sequence and biophysical properties (such as structural, functional, and spatial information, amino acid conservation, physicochemical variation, residue mobility, and thermodynamic stability) indicates that this missense variant is not expected to disrupt NOTCH1 protein function with a negative predictive value of 80%. Algorithms developed to predict the effect of sequence changes on RNA splicing suggest that this variant may create or strengthen a splice site. In summary, the available evidence is currently insufficient to determine the role of this variant in disease. Therefore, it has been classified as a Variant of Uncertain Significance.